The following is an entry in ClinVar:

NM_020435.4(GJC2):c.436_462del (p.Pro146_Glu154del)

Gene: GJC2 (gap junction protein gamma 2; plus strand). Cytogenetic location: 1q42.13.
Variant type: Deletion.
Coding change: c.436_462del on transcript NM_020435.4 (MANE Select); coding-DNA positions 436 to 462, 27 bases deleted (CCCATGCTGGGCCTGGGCGAGGAGGAG).
Protein change: p.Pro146_Glu154del.
Molecular consequence: inframe deletion.
Genome position (GRCh38, 1-based): chr1:228,158,194-228,158,220, CCCATGCTGGGCCTGGGCGAGGAGGAG deleted; deleting any 27 consecutive bases within chr1:228,158,178-228,158,220 gives the same sequence; the c. name uses the placement nearest the transcript's 3' end. VCF-style (leftmost placement, unchanged base first): chr1-228158177-ACCTGGGCGAGGAGGAGCCCATGCTGGG-A. GRCh37 (hg19) VCF-style: chr1-228345878-ACCTGGGCGAGGAGGAGCCCATGCTGGG-A.
Identifiers: ClinVar variation 943603 (VCV000943603.13), dbSNP rs779077705, ClinGen allele CA1430853.

ClinVar aggregate classification (germline): Uncertain significance (1 of 4 stars; one submission).

Conditions:
Spastic paraplegia. Identifiers: MedGen C0037772, HP:0001258.
Leukodystrophy, hypomyelinating, 2. Also called: PELIZAEUS-MERZBACHER-LIKE DISEASE, 1. Identifiers: Orphanet 280270, Orphanet 280282, MedGen C1837355, MONDO:0012125, OMIM 608804.
Lymphatic malformation 3 (LMPHM3). Identifiers: Orphanet 79452, MedGen C4747646, MONDO:0013278, OMIM 613480.
Hereditary spastic paraplegia 44. Also called: SPASTIC PARAPLEGIA 44, AUTOSOMAL RECESSIVE. Identifiers: Orphanet 320401, MedGen C2750784, MONDO:0013179, OMIM 613206.

Submission:

Labcorp Genetics (formerly Invitae), Labcorp
Classification: Uncertain significance for Spastic paraplegia. Last evaluated: 2024-09-03. Review status: criteria provided, single submitter. Criteria: Invitae Variant Classification Sherloc (09022015). Collection method: clinical testing. Allele origin: germline.
Comment: This variant, c.436_462del, results in the deletion of 9 amino acid(s) of the GJC2 protein (p.Pro146_Glu154del), but otherwise preserves the integrity of the reading frame. This variant is present in population databases (rs779077705, gnomAD 0.04%). This variant has not been reported in the literature in individuals affected with GJC2-related conditions. ClinVar contains an entry for this variant (Variation ID: 943603). Experimental studies and prediction algorithms are not available or were not evaluated, and the functional significance of this variant is currently unknown. In summary, the available evidence is currently insufficient to determine the role of this variant in disease. Therefore, it has been classified as a Variant of Uncertain Significance.